The following is an entry in ClinVar:

ClinVar aggregate classification (germline): Pathogenic. Review status: criteria provided, single submitter (1 of 4 stars). 2 submissions from 2 submitters: Pathogenic (1). 1 of the submissions does not count toward it. Last evaluated 2023-09-08.

Conditions:
Tuberous sclerosis syndrome (TSC). Also called: Tuberous Sclerosis Complex; Tuberous sclerosis. Identifiers: Orphanet 805, MedGen C0041341, MONDO:0001734.
Tuberous sclerosis 2 (TSC2). Identifiers: Orphanet 805, MedGen C1860707, MONDO:0013199, OMIM 613254.

Submissions (2):

Labcorp Genetics (formerly Invitae), Labcorp
Classification: Pathogenic for Tuberous sclerosis 2. Last evaluated: 2023-09-08. Review status: criteria provided, single submitter. Criteria: Invitae Variant Classification Sherloc (09022015). Collection method: clinical testing. Allele origin: germline.
Comment: For these reasons, this variant has been classified as Pathogenic. ClinVar contains an entry for this variant (Variation ID: 49750). This variant has not been reported in the literature in individuals affected with TSC2-related conditions. This variant is not present in population databases (gnomAD no frequency). This sequence change creates a premature translational stop signal (p.Thr725Profs*35) in the TSC2 gene. It is expected to result in an absent or disrupted protein product. Loss-of-function variants in TSC2 are known to be pathogenic (PMID: 10205261, 17304050).

Tuberous sclerosis database (TSC2)
No classification provided. Condition: TSC. Review status: no classification provided. Criteria: Tuberous Sclerosis Database Assertion Criteria 2015. Collection method: curation. Allele origin: germline. Affected: yes. Not counted in ClinVar's aggregate classification.

Literature cited by the submitters: PubMed 10205261 (cited by Labcorp Genetics (formerly Invitae), Labcorp); PubMed 17304050 (cited by Labcorp Genetics (formerly Invitae), Labcorp).

NM_000548.5(TSC2):c.2172_2176del (p.Thr725fs)

Gene: TSC2 (TSC complex subunit 2; plus strand). Cytogenetic location: 16p13.3.
Variant type: Deletion.
Coding change: c.2172_2176del on transcript NM_000548.5 (MANE Select); coding-DNA positions 2172 to 2176, 5 bases deleted (TACTT; older notation c.2172_2176delTACTT).
Protein change: p.Thr725fs; shifts the reading frame from threonine 725.
Molecular consequence: frameshift variant.
Genome position (GRCh38, 1-based): chr16:2,072,315-2,072,319, TACTT deleted; deleting any 5 consecutive bases within chr16:2,072,312-2,072,319 gives the same sequence; the c. name uses the placement nearest the transcript's 3' end. VCF-style (leftmost placement, unchanged base first): chr16-2072311-TCTTTA-T. GRCh37 (hg19) VCF-style: chr16-2122312-TCTTTA-T.
Other names: c.2172_2176del, p.Thr725fs (NM_001077183.3, NM_001114382.3, NM_001363528.2 and 3 more transcripts); c.2061_2065del, p.Thr688fs (NM_001318827.2); c.2025_2029del, p.Thr676fs (NM_001318829.2); c.1572_1576del, p.Thr525fs (NM_001318831.2); c.2205_2209del, p.Thr736fs (NM_001318832.2); short protein forms T688fs, T736fs, T725fs, T525fs, T676fs.
Identifiers: ClinVar variation 49750 (VCV000049750.5), dbSNP rs137854216, ClinGen allele CA016862.